The following is an entry in ClinVar:

ClinVar aggregate classification (germline): Uncertain significance (1 of 4 stars; one submission).

Conditions:
Jeune thoracic dystrophy. Also called: Short-rib thoracic dysplasia; Infantile thoracic dystrophy; Thoracic pelvic phalangeal dystrophy; Jeune's syndrome; Chondroectodermal dysplasia-like syndrome; Jeune syndrome. Identifiers: Orphanet 474, MedGen C0265275, MONDO:0018770.

Submission:

Labcorp Genetics (formerly Invitae), Labcorp
Classification: Uncertain significance for Jeune thoracic dystrophy. Last evaluated: 2022-01-15. Review status: criteria provided, single submitter. Criteria: Invitae Variant Classification Sherloc (09022015). Collection method: clinical testing. Allele origin: germline.
Comment: In summary, the available evidence is currently insufficient to determine the role of this variant in disease. Therefore, it has been classified as a Variant of Uncertain Significance. Experimental studies and prediction algorithms are not available or were not evaluated, and the functional significance of this variant is currently unknown. This variant has not been reported in the literature in individuals affected with IFT80-related conditions. This variant results in a copy number gain of the genomic region encompassing exon(s) 20 of the IFT80 gene. This region includes the termination codon of the gene. This copy number gain extends beyond the assayed region for this gene and therefore may encompass additional genes. As the precise location of this event is unknown, it may be in tandem or it may be located elsewhere in the genome.

NC_000003.11:g.(?_159976313)_(159976443_?)dup

Gene: IFT80 (intraflagellar transport 80; minus strand). Cytogenetic location: 3q25.33.
Variant type: Duplication.
Identifiers: ClinVar variation 1412240 (VCV001412240.5).